The following is an entry in ClinVar:

NM_001394062.1(MACF1):c.19673G>C (p.Trp6558Ser)

Gene: MACF1 (microtubule actin crosslinking factor 1; plus strand). Cytogenetic location: 1p34.3.
Variant type: single nucleotide variant.
Coding change: c.19673G>C on transcript NM_001394062.1 (MANE Select); coding-DNA position 19673, G replaced by C.
Protein change: p.Trp6558Ser; replaces tryptophan 6558 with serine.
Molecular consequence: missense variant.
Genome position (GRCh38, 1-based): chr1:39,447,499, G>C. VCF-style: chr1-39447499-G-C. GRCh37 (hg19) VCF-style: chr1-39913171-G-C.
Other names: c.7751G>C, p.Trp2584Ser (NM_001397473.1); c.13496G>C, p.Trp4499Ser (NM_012090.5); short protein forms W2584S, W4499S, W6558S.
Identifiers: ClinVar variation 2800704 (VCV002800704.4), dbSNP rs776734410, ClinGen allele CA784202.

ClinVar aggregate classification (germline): Uncertain significance. Review status: criteria provided, multiple submitters, no conflicts (2 of 4 stars). 2 submissions from 2 submitters: Uncertain significance (2). Last evaluated 2025-02-06.

Conditions:
Lissencephaly 9 with complex brainstem malformation. Identifiers: Orphanet 572013, MedGen C5193029, MONDO:0032677, OMIM 618325.

Allele frequency attached by ClinVar (database versions not stated): TOPMed below 0.00001; ExAC 0.00001; gnomAD exomes 0.00002.
gnomAD v4.1: 9 of 1,614,024 alleles (0.00056%); highest among the groups gnomAD compares: Non-Finnish European, 0.00076%; no homozygotes.

Submissions (2):

Revvity Omics, Revvity
Classification: Uncertain significance for Lissencephaly 9 with complex brainstem malformation. Last evaluated: 2025-02-06. Review status: criteria provided, single submitter. Criteria: ACMG Guidelines, 2015. Collection method: clinical testing. Allele origin: germline.

Labcorp Genetics (formerly Invitae), Labcorp
Classification: Uncertain significance. Last evaluated: 2023-10-09. Review status: criteria provided, single submitter. Criteria: Invitae Variant Classification Sherloc (09022015). Collection method: clinical testing. Allele origin: germline.
Comment: This sequence change replaces tryptophan, which is neutral and slightly polar, with serine, which is neutral and polar, at codon 4499 of the MACF1 protein (p.Trp4499Ser). This variant is present in population databases (rs776734410, gnomAD 0.002%). This variant has not been reported in the literature in individuals affected with MACF1-related conditions. An algorithm developed to predict the effect of missense changes on protein structure and function (PolyPhen-2) suggests that this variant is likely to be disruptive. In summary, the available evidence is currently insufficient to determine the role of this variant in disease. Therefore, it has been classified as a Variant of Uncertain Significance.